The following is an entry in ClinVar:

NM_001244710.2(GFPT1):c.1325-158A>G

Gene: GFPT1 (glutamine--fructose-6-phosphate transaminase 1; minus strand). Cytogenetic location: 2p13.3.
Variant type: single nucleotide variant.
Coding change: c.1325-158A>G on transcript NM_001244710.2 (MANE Select); 158 bases into the intron before coding-DNA position 1325, A replaced by G.
Molecular consequence: intron variant.
Genome position (GRCh38, 1-based): chr2:69,338,213, T>C on the plus strand (A>G on the coding strand, the complement: GFPT1 is on the minus strand). VCF-style: chr2-69338213-T-C. GRCh37 (hg19) VCF-style: chr2-69565345-T-C.
Other names: c.1271-158A>G (NM_002056.4).
Identifiers: ClinVar variation 681723 (VCV000681723.1), dbSNP rs10164798, ClinGen allele CA15188061.

ClinVar aggregate classification (germline): Benign (1 of 4 stars; one submission).

Allele frequency attached by ClinVar (database versions not stated): 1000 Genomes Project 0.31350; 1000 Genomes Project 30x 0.31683; TOPMed 0.36528; gnomAD 0.36712 and 0.36900.
gnomAD v4.1: 56,039 of 152,112 alleles (37%); highest among the groups gnomAD compares: Middle Eastern, 44%; 10,747 homozygotes.

Submission:

GeneDx
Classification: Benign. Last evaluated: 2018-06-19. Review status: criteria provided, single submitter. Criteria: GeneDx Variant Classification (06012015). Collection method: clinical testing. Allele origin: germline. Affected: yes.
Comment: This variant is considered likely benign or benign based on one or more of the following criteria: it is a conservative change, it occurs at a poorly conserved position in the protein, it is predicted to be benign by multiple in silico algorithms, and/or has population frequency not consistent with disease.